The following is an entry in ClinVar:

NM_153240.5(NPHP3):c.2902A>G (p.Arg968Gly)

Genes: NPHP3 (nephrocystin 3; minus strand), NPHP3-ACAD11 (NPHP3-ACAD11 readthrough (NMD candidate); minus strand). Cytogenetic location: 3q22.1.
Variant type: single nucleotide variant.
Coding change: c.2902A>G on transcript NM_153240.5 (MANE Select); coding-DNA position 2902, A replaced by G.
Protein change: p.Arg968Gly; replaces arginine 968 with glycine.
Molecular consequence: missense variant. On other transcripts: non-coding transcript variant (1).
Genome position (GRCh38, 1-based): chr3:132,688,873, T>C on the plus strand (A>G on the coding strand, the complement: NPHP3 is on the minus strand). VCF-style: chr3-132688873-T-C. GRCh37 (hg19) VCF-style: chr3-132407717-T-C.
Other names: short protein forms R968G.
Identifiers: ClinVar variation 1959445 (VCV001959445.5), dbSNP rs765855144, ClinGen allele CA2621881.

ClinVar aggregate classification (germline): Uncertain significance (1 of 4 stars; one submission).

Conditions:
Nephronophthisis. Also called: Juvenile Nephronophthisis. Identifiers: Orphanet 655, MedGen C0687120, MONDO:0019005, HP:0000090.

gnomAD v4.1: 2 of 1,614,060 alleles (0.00012%); highest among the groups gnomAD compares: South Asian, 0.0011%; no homozygotes.

Submission:

Labcorp Genetics (formerly Invitae), Labcorp
Classification: Uncertain significance for Nephronophthisis. Last evaluated: 2022-05-29. Review status: criteria provided, single submitter. Criteria: Invitae Variant Classification Sherloc (09022015). Collection method: clinical testing. Allele origin: germline.
Comment: This variant has not been reported in the literature in individuals affected with NPHP3-related conditions. Algorithms developed to predict the effect of missense changes on protein structure and function are either unavailable or do not agree on the potential impact of this missense change (SIFT: "Deleterious"; PolyPhen-2: "Probably Damaging"; Align-GVGD: "Class C0"). In summary, the available evidence is currently insufficient to determine the role of this variant in disease. Therefore, it has been classified as a Variant of Uncertain Significance. This variant is present in population databases (rs765855144, gnomAD no frequency). This sequence change replaces arginine, which is basic and polar, with glycine, which is neutral and non-polar, at codon 968 of the NPHP3 protein (p.Arg968Gly).